The following is an entry in ClinVar:

ClinVar aggregate classification (germline): Likely pathogenic (1 of 4 stars; one submission).

Conditions:
SLC10A1-related disorder. Also called: SLC10A1-related condition.

Submission:

PreventionGenetics, part of Exact Sciences
Classification: Likely pathogenic for SLC10A1-related condition. Last evaluated: 2025-10-30. Review status: criteria provided, single submitter. Criteria: ACMG Guidelines, 2015. Collection method: clinical testing. Allele origin: germline.
Comment: The SLC10A1 c.343dupG variant is predicted to result in a frameshift and premature protein termination (p.Asp115Glyfs*33). To our knowledge, this variant has not been reported in the literature or in a large population database (gnomAD), indicating this variant is rare. Frameshift variants in SLC10A1 are expected to be pathogenic. This variant is interpreted as likely pathogenic.

NM_003049.4(SLC10A1):c.343dup (p.Asp115fs)

Gene: SLC10A1 (solute carrier family 10 member 1; minus strand). Cytogenetic location: 14q24.1.
Variant type: Duplication.
Coding change: c.343dup on transcript NM_003049.4 (MANE Select); coding-DNA position 343, one base duplicated (G; older notation c.343dupG).
Protein change: p.Asp115fs; shifts the reading frame from aspartic acid 115.
Molecular consequence: frameshift variant.
Genome position (GRCh38, 1-based): chr14:69,796,813, C duplicated on the plus strand (G on the coding strand, the reverse complement: SLC10A1 is on the minus strand); the first of 5 consecutive C bases (chr14:69,796,813-69,796,817); duplicating any one gives the same sequence. VCF-style (leftmost placement, unchanged base first): chr14-69796812-T-TC. GRCh37 (hg19) VCF-style: chr14-70263529-T-TC.
Other names: short protein forms D115fs.
Identifiers: ClinVar variation 4988100 (VCV004988100.1).